The following is an entry in ClinVar:

NM_001159699.2(FHL1):c.503C>T (p.Thr168Ile)

Gene: FHL1 (four and a half LIM domains 1; plus strand). Cytogenetic location: Xq26.3.
Variant type: single nucleotide variant.
Coding change: c.503C>T on transcript NM_001159699.2 (MANE Select); coding-DNA position 503, C replaced by T.
Protein change: p.Thr168Ile; replaces threonine 168 with isoleucine.
Molecular consequence: missense variant. On other transcripts: non-coding transcript variant (1).
Genome position (GRCh38, 1-based): chrX:136,207,915, C>T. VCF-style: chrX-136207915-C-T. GRCh37 (hg19) VCF-style: chrX-135290074-C-T.
Other names: c.455C>T, p.Thr152Ile (NM_001159700.2, NM_001159702.3, NM_001159703.2 and 9 more transcripts); c.542C>T, p.Thr181Ile (NM_001159701.2); c.503C>T, p.Thr168Ile (NM_001330659.2); short protein forms T181I, T152I, T168I.
Identifiers: ClinVar variation 4024971 (VCV004024971.1).

ClinVar aggregate classification (germline): Uncertain significance (1 of 4 stars; one submission).

Conditions:
Cardiovascular phenotype. Identifiers: MedGen CN230736.

Submission:

Ambry Genetics
Classification: Uncertain significance for Cardiovascular phenotype. Last evaluated: 2025-03-23. Review status: criteria provided, single submitter. Criteria: Ambry Variant Classification Scheme 2023. Collection method: clinical testing. Allele origin: germline.
Comment: The p.T152I variant (also known as c.455C>T), located in coding exon 3 of the FHL1 gene, results from a C to T substitution at nucleotide position 455. The threonine at codon 152 is replaced by isoleucine, an amino acid with similar properties. This amino acid position is not well conserved in available vertebrate species. In addition, the in silico prediction for this alteration is inconclusive. Based on data from gnomAD, the T allele has an overall frequency of 0.0005% (1/183402) total alleles studied, with 1 hemizygote(s) observed. The highest observed frequency was 0.0012% (1/81866) of European (non-Finnish) alleles. Based on the available evidence, the clinical significance of this variant remains unclear.